The following is an entry in ClinVar:

NM_016507.4(CDK12):c.2995C>T (p.His999Tyr)

Gene: CDK12 (cyclin dependent kinase 12; plus strand). Cytogenetic location: 17q12.
Variant type: single nucleotide variant.
Coding change: c.2995C>T on transcript NM_016507.4 (MANE Select); coding-DNA position 2995, C replaced by T.
Protein change: p.His999Tyr; replaces histidine 999 with tyrosine.
Molecular consequence: missense variant.
Genome position (GRCh38, 1-based): chr17:39,519,987, C>T. VCF-style: chr17-39519987-C-T. GRCh37 (hg19) VCF-style: chr17-37676240-C-T.
Other names: c.2995C>T, p.His999Tyr (NM_015083.4); short protein forms H999Y.
Identifiers: ClinVar variation 3830625 (VCV003830625.1).

ClinVar aggregate classification (germline): Uncertain significance (1 of 4 stars; one submission).

gnomAD v4.1: 8 of 1,613,780 alleles (0.0005%); highest among the groups gnomAD compares: Non-Finnish European, 0.00059%; no homozygotes.

Submission:

Ambry Genetics
Classification: Uncertain significance. Last evaluated: 2025-02-08. Review status: criteria provided, single submitter. Criteria: Ambry Variant Classification Scheme 2023. Collection method: clinical testing. Allele origin: germline.
Comment: The p.H999Y variant (also known as c.2995C>T), located in coding exon 11 of the CDK12 gene, results from a C to T substitution at nucleotide position 2995. The histidine at codon 999 is replaced by tyrosine, an amino acid with similar properties. This amino acid position is conserved. In addition, this alteration is predicted to be tolerated by in silico analysis. Based on the available evidence, the clinical significance of this variant remains unclear.